The following is an entry in ClinVar:

ClinVar aggregate classification (germline): Uncertain significance (1 of 4 stars; one submission).

Submission:

Institute for Clinical Genetics, University Hospital TU Dresden, University Hospital TU Dresden
Classification: Uncertain significance. Last evaluated: 2022-03-22. Review status: criteria provided, single submitter. Criteria: ACMG Guidelines, 2015. Collection method: clinical testing. Allele origin: germline.
Comment: PP3, PM2_SUP, PP2

NM_001190737.2(NFIB):c.495G>T (p.Gln165His)

Gene: NFIB (nuclear factor I B; minus strand). Cytogenetic location: 9p22.3.
Variant type: single nucleotide variant.
Coding change: c.495G>T on transcript NM_001190737.2 (MANE Select); coding-DNA position 495, G replaced by T.
Protein change: p.Gln165His; replaces glutamine 165 with histidine.
Molecular consequence: missense variant. On other transcripts: intron variant (3).
Genome position (GRCh38, 1-based): chr9:14,307,056, C>A on the plus strand (G>T on the coding strand, the complement: NFIB is on the minus strand). VCF-style: chr9-14307056-C-A. GRCh37 (hg19) VCF-style: chr9-14307055-C-A.
Other names: c.573G>T, p.Gln191His (NM_001190738.2); c.561G>T, p.Gln187His (NM_001369458.1, NM_001369459.1, NM_001369462.1 and 1 more transcripts); c.483G>T, p.Gln161His (NM_001369460.1, NM_001369463.1, NM_001369466.1 and 2 more transcripts); c.495G>T, p.Gln165His (NM_001369461.1, NM_001369464.1, NM_001369471.1 and 3 more transcripts); c.468G>T, p.Gln156His (NM_001369465.1, NM_001369467.1, NM_001369476.1); c.351G>T, p.Gln117His (NM_001369469.1); c.480G>T, p.Gln160His (NM_001369474.1); c.325+158G>T (NM_001369478.1, NM_001369470.1); and 1 more; short protein forms Q117H, Q156H, Q160H, Q161H, Q165H, Q187H, Q191H.
Identifiers: ClinVar variation 2575955 (VCV002575955.1), dbSNP rs2538991448, ClinGen allele CA373089960.